The following is an entry in ClinVar:

NM_139058.3(ARX):c.126G>A (p.Arg42=)

Gene: ARX (aristaless related homeobox; minus strand). Cytogenetic location: Xp21.3.
Variant type: single nucleotide variant.
Coding change: c.126G>A on transcript NM_139058.3 (MANE Select); coding-DNA position 126, G replaced by A.
Protein change: p.Arg42=; no amino-acid change (arginine 42 retained).
Molecular consequence: synonymous variant.
Genome position (GRCh38, 1-based): chrX:25,015,612, C>T on the plus strand (G>A on the coding strand, the complement: ARX is on the minus strand). VCF-style: chrX-25015612-C-T. GRCh37 (hg19) VCF-style: chrX-25033729-C-T.
Identifiers: ClinVar variation 681545 (VCV000681545.3), dbSNP rs1601949526, ClinGen allele CA515749916.

ClinVar aggregate classification (germline): Likely benign. Review status: criteria provided, multiple submitters, no conflicts (2 of 4 stars). 2 submissions from 2 submitters: Likely benign (2). Last evaluated 2024-02-14.

Conditions:
Developmental and epileptic encephalopathy, 1 (DEE1). Also called: X-linked infantile spasms; West's syndrome; Tonic spasms with clustering, arrest of psychomotor development and hypsarrhythmia on EEG; X-Linked Infantile Spasm Syndrome; INFANTILE SPASM SYNDROME, X-LINKED 1; Epileptic encephalopathy, early infantile, 1. Identifiers: MedGen C3463992, MONDO:0010632, OMIM 308350. Disease mechanism: loss of function.
Intellectual disability, X-linked, with or without seizures, ARX-related. Also called: MENTAL RETARDATION, X-LINKED 29; MENTAL RETARDATION, X-LINKED 32; MENTAL RETARDATION, X-LINKED 33; MENTAL RETARDATION, X-LINKED 38; MENTAL RETARDATION, X-LINKED 43; MENTAL RETARDATION, X-LINKED 76. Identifiers: Orphanet 777, MedGen C0796244, MONDO:0010317, OMIM 300419.

Submissions (2):

Labcorp Genetics (formerly Invitae), Labcorp
Classification: Likely benign for Developmental and epileptic encephalopathy, 1; Intellectual disability, X-linked, with or without seizures, ARX-related. Last evaluated: 2024-02-14. Review status: criteria provided, single submitter. Criteria: Invitae Variant Classification Sherloc (09022015). Collection method: clinical testing. Allele origin: germline.

GeneDx
Classification: Likely benign. Last evaluated: 2018-04-04. Review status: criteria provided, single submitter. Criteria: GeneDx Variant Classification (06012015). Collection method: clinical testing. Allele origin: germline. Affected: yes.
Comment: This variant is considered likely benign or benign based on one or more of the following criteria: it is a conservative change, it occurs at a poorly conserved position in the protein, it is predicted to be benign by multiple in silico algorithms, and/or has population frequency not consistent with disease.